The following is an entry in ClinVar:

ClinVar aggregate classification (germline): Likely benign (0 of 4 stars; one submission).

Conditions:
CELSR1-related disorder. Also called: CELSR1-related condition.

Allele frequency attached by ClinVar (database versions not stated): ExAC 0.00001; gnomAD exomes 0.00001; TOPMed 0.00001; 1000 Genomes Project 30x 0.00016.
gnomAD v4.1: 7 of 1,581,926 alleles (0.00044%); highest among the groups gnomAD compares: Middle Eastern, 0.034%; 1 homozygote.

Submission:

PreventionGenetics, part of Exact Sciences
Classification: Likely benign for CELSR1-related condition. Last evaluated: 2021-04-19. Review status: no assertion criteria provided. Collection method: clinical testing. Allele origin: germline.
Comment: This variant is classified as likely benign based on ACMG/AMP sequence variant interpretation guidelines (Richards et al. 2015 PMID: 25741868, with internal and published modifications).

NM_001378328.1(CELSR1):c.4113G>A (p.Pro1371=)

Genes: CELSR1 (cadherin EGF LAG seven-pass G-type receptor 1; minus strand), LOC126863170 (CDK7 strongly-dependent group 2 enhancer GRCh37_chr22:46858535-46859734; plus strand). Cytogenetic location: 22q13.31.
Variant type: single nucleotide variant.
Coding change: c.4113G>A on transcript NM_001378328.1 (MANE Select); coding-DNA position 4113, G replaced by A.
Protein change: p.Pro1371=; no amino-acid change (proline 1371 retained).
Molecular consequence: synonymous variant.
Genome position (GRCh38, 1-based): chr22:46,463,777, C>T on the plus strand (G>A on the coding strand, the complement: CELSR1 is on the minus strand). VCF-style: chr22-46463777-C-T. GRCh37 (hg19) VCF-style: chr22-46859674-C-T.
Other names: c.4113G>A, p.Pro1371= (NM_014246.4).
Identifiers: ClinVar variation 3031488 (VCV003031488.2), dbSNP rs770653865, ClinGen allele CA10294816.